The following is an entry in ClinVar:

NM_000051.4(ATM):c.7927+1_7927+2dup

Genes: ATM (ATM serine/threonine kinase; plus strand), C11orf65 (chromosome 11 open reading frame 65; minus strand). Cytogenetic location: 11q22.3.
Variant type: Duplication.
Coding change: c.7927+1_7927+2dup on transcript NM_000051.4 (MANE Select); the canonical splice donor site of the intron after coding-DNA position 7927, 2 bases duplicated (GT; older notation c.7927+1_7927+2dupGT).
Molecular consequence: splice donor variant. On other transcripts: intron variant (2).
Genome position (GRCh38, 1-based): chr11:108,332,901-108,332,902, GT duplicated. VCF-style (leftmost placement, unchanged base first): chr11-108332900-A-AGT. GRCh37 (hg19) VCF-style: chr11-108203627-A-AGT.
Other names: c.7927+1_7927+2dup (NM_001351834.2); c.641-23831_641-23830dup (NM_001330368.2); c.*38+2318_*38+2319dup (NM_001351110.2).
Identifiers: ClinVar variation 1019493 (VCV001019493.8), dbSNP rs2086432329, ClinGen allele CA1998811402.
Genomic context (GRCh38, chr11:108,332,900, plus strand): 5'-CTTTGTGATGCTTATATTATATTAGCAAACTTAGATGCCACTCAGTGGAAGACTCAGAGA[A>AGT]GTATGTTTTTTTTAAAGAAGAAACGTTACTTTCTTGCTGTGTTACTCTCTGTAGAGATAT-3'

ClinVar aggregate classification (germline): Uncertain significance (1 of 4 stars; one submission).

Conditions:
Ataxia-telangiectasia syndrome (AT). Also called: Ataxia telangiectasia (A-T); ATAXIA-TELANGIECTASIA, COMPLEMENTATION GROUP A; ATAXIA-TELANGIECTASIA, FRESNO VARIANT; Ataxia-telangiectasia; Ataxia-telangiectasia, complementation group E; LOUIS-BAR SYNDROME. Identifiers: Orphanet 100, MedGen C0004135, MONDO:0008840, OMIM 208900.

Submission:

Labcorp Genetics (formerly Invitae), Labcorp
Classification: Uncertain significance for Ataxia-telangiectasia syndrome. Last evaluated: 2022-07-12. Review status: criteria provided, single submitter. Criteria: Invitae Variant Classification Sherloc (09022015). Collection method: clinical testing. Allele origin: germline.
Comment: ClinVar contains an entry for this variant (Variation ID: 1019493). In summary, the available evidence is currently insufficient to determine the role of this variant in disease. Therefore, it has been classified as a Variant of Uncertain Significance. Variants that disrupt the consensus splice site are a relatively common cause of aberrant splicing (PMID: 17576681, 9536098). Algorithms developed to predict the effect of sequence changes on RNA splicing suggest that this variant is not likely to affect RNA splicing. This variant has not been reported in the literature in individuals affected with ATM-related conditions. This variant is not present in population databases (gnomAD no frequency). This sequence change falls in intron 53 of the ATM gene. It does not directly change the encoded amino acid sequence of the ATM protein. It affects a nucleotide within the consensus splice site.

Literature cited by the submitters: PubMed 17576681; PubMed 9536098.